The following is an entry in ClinVar:

ClinVar aggregate classification (germline): Uncertain significance. Review status: criteria provided, multiple submitters, no conflicts (2 of 4 stars). 4 submissions from 4 submitters: Uncertain significance (4). Last evaluated 2025-06-12.

Conditions:
Polycystic liver disease 3 with or without kidney cysts. Identifiers: MedGen C4693472, MONDO:0054743, OMIM 617874.
ALG8 congenital disorder of glycosylation. Also called: CONGENITAL DISORDER OF GLYCOSYLATION, TYPE Ih; CDG Ih; ALG8-CDG. Identifiers: Orphanet 79325, MedGen C2931002, MONDO:0011969, OMIM 608104.
Inborn genetic diseases. Identifiers: MedGen C0950123, MeSH D030342.
ALG8-related disorder.

Allele frequency attached by ClinVar (database versions not stated): ExAC 0.00004; TOPMed 0.00019; gnomAD 0.00021.
gnomAD v4.1: 53 of 1,613,916 alleles (0.0033%); highest among the groups gnomAD compares: African/African-American, 0.064%; no homozygotes.

Submissions (4):

Labcorp Genetics (formerly Invitae), Labcorp
Classification: Uncertain significance for ALG8 congenital disorder of glycosylation. Last evaluated: 2025-06-12. Review status: criteria provided, single submitter. Criteria: Invitae Variant Classification Sherloc (09022015). Collection method: clinical testing. Allele origin: germline.
Comment: This sequence change replaces alanine, which is neutral and non-polar, with proline, which is neutral and non-polar, at codon 388 of the ALG8 protein (p.Ala388Pro). This variant is present in population databases (rs777335080, gnomAD 0.08%). This variant has not been reported in the literature in individuals affected with ALG8-related conditions. ClinVar contains an entry for this variant (Variation ID: 2886369). Invitae Evidence Modeling of protein sequence and biophysical properties (such as structural, functional, and spatial information, amino acid conservation, physicochemical variation, residue mobility, and thermodynamic stability) indicates that this missense variant is not expected to disrupt ALG8 protein function with a negative predictive value of 80%. In summary, the available evidence is currently insufficient to determine the role of this variant in disease. Therefore, it has been classified as a Variant of Uncertain Significance.

PreventionGenetics, part of Exact Sciences
Classification: Uncertain significance for ALG8-related condition. Last evaluated: 2024-11-25. Review status: criteria provided, single submitter. Criteria: ACMG Guidelines, 2015. Collection method: clinical testing. Allele origin: germline.
Comment: The ALG8 c.1162G>C variant is predicted to result in the amino acid substitution p.Ala388Pro. To our knowledge, this variant has not been reported in the literature. This variant is reported in 0.072% of alleles in individuals of African descent in gnomAD. Although we suspect that this variant may be benign, at this time, the clinical significance of this variant is uncertain due to the absence of conclusive functional and genetic evidence.

Ambry Genetics
Classification: Uncertain significance for Inborn genetic diseases. Last evaluated: 2024-08-27. Review status: criteria provided, single submitter. Criteria: Ambry Variant Classification Scheme 2023. Collection method: clinical testing. Allele origin: germline.

Fulgent Genetics
Classification: Uncertain significance for ALG8 congenital disorder of glycosylation; Polycystic liver disease 3 with or without kidney cysts. Last evaluated: 2024-05-01. Review status: criteria provided, single submitter. Criteria: ACMG Guidelines, 2015. Collection method: clinical testing. Allele origin: germline.

NM_024079.5(ALG8):c.1162G>C (p.Ala388Pro)

Gene: ALG8 (ALG8 alpha-1,3-glucosyltransferase; minus strand). Cytogenetic location: 11q14.1.
Variant type: single nucleotide variant.
Coding change: c.1162G>C on transcript NM_024079.5 (MANE Select); coding-DNA position 1162, G replaced by C.
Protein change: p.Ala388Pro; replaces alanine 388 with proline.
Molecular consequence: missense variant.
Genome position (GRCh38, 1-based): chr11:78,106,823, C>G on the plus strand (G>C on the coding strand, the complement: ALG8 is on the minus strand). VCF-style: chr11-78106823-C-G. GRCh37 (hg19) VCF-style: chr11-77817869-C-G.
Other names: c.1162G>C, p.Ala388Pro (NM_001007027.3, NM_001425222.1, NM_001425227.1 and 3 more transcripts); c.1165G>C, p.Ala389Pro (NM_001425219.1); c.1147G>C, p.Ala383Pro (NM_001425220.1); c.1087G>C, p.Ala363Pro (NM_001425221.1); c.1156G>C, p.Ala386Pro (NM_001425223.1); c.1255G>C, p.Ala419Pro (NM_001425224.1); c.1210G>C, p.Ala404Pro (NM_001425225.1); c.1009G>C, p.Ala337Pro (NM_001425226.1, NM_001425236.1); and 9 more; short protein forms A301P, A321P, A330P, A216P, A279P, A300P, A337P, A386P.
Identifiers: ClinVar variation 2886369 (VCV002886369.6), dbSNP rs777335080, ClinGen allele CA6203209.